The following is an entry in ClinVar:

NM_000092.5(COL4A4):c.4273T>C (p.Ser1425Pro)

Gene: COL4A4 (collagen type IV alpha 4 chain; minus strand). Cytogenetic location: 2q36.3.
Variant type: single nucleotide variant.
Coding change: c.4273T>C on transcript NM_000092.5 (MANE Select); coding-DNA position 4273, T replaced by C.
Protein change: p.Ser1425Pro; replaces serine 1425 with proline.
Molecular consequence: missense variant.
Genome position (GRCh38, 1-based): chr2:227,012,241, A>G on the plus strand (T>C on the coding strand, the complement: COL4A4 is on the minus strand). VCF-style: chr2-227012241-A-G. GRCh37 (hg19) VCF-style: chr2-227876957-A-G.
Other names: short protein forms S1425P.
Identifiers: ClinVar variation 1310546 (VCV001310546.8), dbSNP rs764494474, ClinGen allele CA2144219.

ClinVar aggregate classification (germline): Conflicting classifications of pathogenicity. Review status: criteria provided, conflicting classifications (1 of 4 stars). 3 submissions from 3 submitters: Uncertain significance (2); Likely benign (1). Last evaluated 2025-07-29.

Conditions:
Inborn genetic diseases. Identifiers: MedGen C0950123, MeSH D030342.

Allele frequency attached by ClinVar (database versions not stated): gnomAD 0.00001; ExAC 0.00002; gnomAD exomes 0.00002 and 0.00003.
gnomAD v4.1: 46 of 1,613,856 alleles (0.0029%); highest among the groups gnomAD compares: Non-Finnish European, 0.0036%; no homozygotes.

Submissions (3):

Labcorp Genetics (formerly Invitae), Labcorp
Classification: Likely benign. Last evaluated: 2025-07-29. Review status: criteria provided, single submitter. Criteria: Invitae Variant Classification Sherloc (09022015). Collection method: clinical testing. Allele origin: germline.

Ambry Genetics
Classification: Uncertain significance for Inborn genetic diseases. Last evaluated: 2025-06-10. Review status: criteria provided, single submitter. Criteria: Ambry Variant Classification Scheme 2023. Collection method: clinical testing. Allele origin: germline.

GeneDx
Classification: Uncertain significance. Last evaluated: 2019-09-03. Review status: criteria provided, single submitter. Criteria: GeneDx Variant Classification Process June 2021. Collection method: clinical testing. Allele origin: germline. Affected: yes.
Comment: In silico analysis, which includes protein predictors and evolutionary conservation, supports that this variant does not alter protein structure/function; Has not been previously published as pathogenic or benign to our knowledge